The following is an entry in ClinVar:

ClinVar aggregate classification (germline): Uncertain significance (1 of 4 stars; one submission).

Allele frequency attached by ClinVar (database versions not stated): ExAC 0.00014; ESP Exome Variant Server 0.00023; TOPMed 0.00035; gnomAD 0.00040 and 0.00042; 1000 Genomes Project 30x 0.00109; 1000 Genomes Project 0.00120.
gnomAD v4.1: 107 of 1,608,332 alleles (0.0067%); highest among the groups gnomAD compares: African/African-American, 0.12%; no homozygotes.

Submission:

GeneDx
Classification: Uncertain significance. Last evaluated: 2020-03-09. Review status: criteria provided, single submitter. Criteria: GeneDx Variant Classification Process June 2021. Collection method: clinical testing. Allele origin: germline. Affected: yes.
Comment: Has not been previously published as pathogenic or benign to our knowledge; In silico analysis, which includes splice predictors and evolutionary conservation, suggests this variant may impact gene splicing. In the absence of RNA/functional studies, the actual effect of this sequence change is unknown.

NM_004667.6(HERC2):c.645C>T (p.Gly215=)

Gene: HERC2 (HECT and RLD domain containing E3 ubiquitin protein ligase 2; minus strand). Cytogenetic location: 15q13.1.
Variant type: single nucleotide variant.
Coding change: c.645C>T on transcript NM_004667.6 (MANE Select); coding-DNA position 645, C replaced by T.
Protein change: p.Gly215=; no amino-acid change (glycine 215 retained).
Molecular consequence: synonymous variant.
Genome position (GRCh38, 1-based): chr15:28,274,446, G>A on the plus strand (C>T on the coding strand, the complement: HERC2 is on the minus strand). VCF-style: chr15-28274446-G-A. GRCh37 (hg19) VCF-style: chr15-28519592-G-A.
Identifiers: ClinVar variation 1321138 (VCV001321138.2), dbSNP rs139608578, ClinGen allele CA7443614.